The following is an entry in ClinVar:

ClinVar aggregate classification (germline): Uncertain significance. Review status: criteria provided, multiple submitters, no conflicts (2 of 4 stars). 2 submissions from 2 submitters: Uncertain significance (2). Last evaluated 2025-07-15.

Conditions:
Inborn genetic diseases. Identifiers: MedGen C0950123, MeSH D030342.

Allele frequency attached by ClinVar (database versions not stated): gnomAD exomes 0.00002; TOPMed 0.00002; ExAC 0.00003; gnomAD 0.00003; ESP Exome Variant Server 0.00008.
gnomAD v4.1: 40 of 1,611,684 alleles (0.0025%); highest among the groups gnomAD compares: Admixed American, 0.01%; no homozygotes.

Submissions (2):

Labcorp Genetics (formerly Invitae), Labcorp
Classification: Uncertain significance. Last evaluated: 2025-07-15. Review status: criteria provided, single submitter. Criteria: Invitae Variant Classification Sherloc (09022015). Collection method: clinical testing. Allele origin: germline.
Comment: This sequence change replaces arginine, which is basic and polar, with tryptophan, which is neutral and slightly polar, at codon 654 of the TONSL protein (p.Arg654Trp). This variant is present in population databases (rs138979218, gnomAD 0.01%). This variant has not been reported in the literature in individuals affected with TONSL-related conditions. ClinVar contains an entry for this variant (Variation ID: 2609373). Invitae Evidence Modeling of protein sequence and biophysical properties (such as structural, functional, and spatial information, amino acid conservation, physicochemical variation, residue mobility, and thermodynamic stability) indicates that this missense variant is not expected to disrupt TONSL protein function with a negative predictive value of 80%. In summary, the available evidence is currently insufficient to determine the role of this variant in disease. Therefore, it has been classified as a Variant of Uncertain Significance.

Ambry Genetics
Classification: Uncertain significance for Inborn genetic diseases. Last evaluated: 2023-07-05. Review status: criteria provided, single submitter. Criteria: Ambry Variant Classification Scheme 2023. Collection method: clinical testing. Allele origin: germline.

NM_013432.5(TONSL):c.1960C>T (p.Arg654Trp)

Genes: TONSL (tonsoku like, DNA repair protein; minus strand), TONSL-AS1 (TONSL antisense RNA 1; plus strand). Cytogenetic location: 8q24.3.
Variant type: single nucleotide variant.
Coding change: c.1960C>T on transcript NM_013432.5 (MANE Select); coding-DNA position 1960, C replaced by T.
Protein change: p.Arg654Trp; replaces arginine 654 with tryptophan.
Molecular consequence: missense variant.
Genome position (GRCh38, 1-based): chr8:144,436,612, G>A on the plus strand (C>T on the coding strand, the complement: TONSL is on the minus strand). VCF-style: chr8-144436612-G-A. GRCh37 (hg19) VCF-style: chr8-145661995-G-A.
Other names: short protein forms R654W.
Identifiers: ClinVar variation 2609373 (VCV002609373.3), dbSNP rs138979218, ClinGen allele CA4942982.